The following is an entry in ClinVar:

NM_014415.4(ZBTB11):c.219C>T (p.Asp73=)

Genes: ZBTB11 (zinc finger and BTB domain containing 11; minus strand), ZBTB11-AS1 (ZBTB11 antisense RNA 1; plus strand). Cytogenetic location: 3q12.3.
Variant type: single nucleotide variant.
Coding change: c.219C>T on transcript NM_014415.4 (MANE Select); coding-DNA position 219, C replaced by T.
Protein change: p.Asp73=; no amino-acid change (aspartic acid 73 retained).
Molecular consequence: synonymous variant. On other transcripts: non-coding transcript variant (1).
Genome position (GRCh38, 1-based): chr3:101,676,696, G>A on the plus strand (C>T on the coding strand, the complement: ZBTB11 is on the minus strand). VCF-style: chr3-101676696-G-A. GRCh37 (hg19) VCF-style: chr3-101395540-G-A.
Identifiers: ClinVar variation 3055253 (VCV003055253.2), dbSNP rs376773040, ClinGen allele CA2521440.

ClinVar aggregate classification (germline): Likely benign (0 of 4 stars; one submission).

Conditions:
ZBTB11-related disorder. Also called: ZBTB11-related condition.

Allele frequency attached by ClinVar (database versions not stated): ESP Exome Variant Server 0.00015.

Submission:

PreventionGenetics, part of Exact Sciences
Classification: Likely benign for ZBTB11-related condition. Last evaluated: 2019-05-02. Review status: no assertion criteria provided. Collection method: clinical testing. Allele origin: germline.
Comment: This variant is classified as likely benign based on ACMG/AMP sequence variant interpretation guidelines (Richards et al. 2015 PMID: 25741868, with internal and published modifications).